The following is an entry in ClinVar:

NM_001130438.3(SPTAN1):c.4225G>A (p.Gly1409Arg)

Gene: SPTAN1 (spectrin alpha, non-erythrocytic 1; plus strand). Cytogenetic location: 9q34.11.
Variant type: single nucleotide variant.
Coding change: c.4225G>A on transcript NM_001130438.3 (MANE Select); coding-DNA position 4225, G replaced by A.
Protein change: p.Gly1409Arg; replaces glycine 1409 with arginine.
Molecular consequence: missense variant.
Genome position (GRCh38, 1-based): chr9:128,607,930, G>A. VCF-style: chr9-128607930-G-A. GRCh37 (hg19) VCF-style: chr9-131370209-G-A.
Other names: c.4165G>A, p.Gly1389Arg (NM_001195532.2, NM_001363765.2, NM_001375314.2); c.4225G>A, p.Gly1409Arg (NM_001363759.2, NM_001375310.1, NM_001375311.2 and 2 more transcripts); c.4261G>A, p.Gly1421Arg (NM_001375312.2, NM_001375318.1); short protein forms G1421R, G1409R, G1389R.
Identifiers: ClinVar variation 1425118 (VCV001425118.8), dbSNP rs746913959, ClinGen allele CA5265145.
Genomic context (GRCh38, chr9:128,607,930, plus strand): 5'-GATGCCAGGGCTGGCACTTTCCAGGCATTTGAGCAGTTTGGACAGCAGCTGTTGGCTCAC[G>A]GACACTATGCCAGCCCTGAGATCAAGCAGAAACTTGATATTCTTGACCAGGAGCGTGCAG-3'
Protein context (NP_001123910.1, residues 1399-1419): EQFGQQLLAH[Gly1409Arg]HYASPEIKQK

ClinVar aggregate classification (germline): Uncertain significance. Review status: criteria provided, multiple submitters, no conflicts (2 of 4 stars). 2 submissions from 2 submitters: Uncertain significance (2). Last evaluated 2025-06-19.

Conditions:
Early-infantile DEE. Also called: Early infantile epileptic encephalopathy with suppression bursts; Ohtahara syndrome; Early infantile epileptic encephalopathy. Identifiers: Orphanet 1934, MedGen C0393706, MONDO:0800491.

Allele frequency attached by ClinVar (database versions not stated): gnomAD exomes below 0.00001 and 0.00001; ExAC 0.00001; gnomAD 0.00001; TOPMed 0.00003.
gnomAD v4.1: 10 of 1,613,876 alleles (0.00062%); highest among the groups gnomAD compares: African/African-American, 0.0053%; no homozygotes.

Submissions (2):

Labcorp Genetics (formerly Invitae), Labcorp
Classification: Uncertain significance for Early-infantile DEE. Last evaluated: 2025-06-19. Review status: criteria provided, single submitter. Criteria: Invitae Variant Classification Sherloc (09022015). Collection method: clinical testing. Allele origin: germline.
Comment: This sequence change replaces glycine, which is neutral and non-polar, with arginine, which is basic and polar, at codon 1409 of the SPTAN1 protein (p.Gly1409Arg). This variant is present in population databases (rs746913959, gnomAD 0.003%). This variant has not been reported in the literature in individuals affected with SPTAN1-related conditions. ClinVar contains an entry for this variant (Variation ID: 1425118). Invitae Evidence Modeling of protein sequence and biophysical properties (such as structural, functional, and spatial information, amino acid conservation, physicochemical variation, residue mobility, and thermodynamic stability) has been performed for this missense variant. However, the output from this modeling did not meet the statistical confidence thresholds required to predict the impact of this variant on SPTAN1 protein function. In summary, the available evidence is currently insufficient to determine the role of this variant in disease. Therefore, it has been classified as a Variant of Uncertain Significance.

Blueprint Genetics
Classification: Uncertain significance. Last evaluated: 2021-11-03. Review status: criteria provided, single submitter. Criteria: ACMG Guidelines, 2015. Collection method: clinical testing. Allele origin: germline.